The following is an entry in ClinVar:

NM_001330078.2(NRXN1):c.830A>C (p.Lys277Thr)

Gene: NRXN1 (neurexin 1; minus strand). Cytogenetic location: 2p16.3.
Variant type: single nucleotide variant.
Coding change: c.830A>C on transcript NM_001330078.2 (MANE Select); coding-DNA position 830, A replaced by C.
Protein change: p.Lys277Thr; replaces lysine 277 with threonine.
Molecular consequence: missense variant. On other transcripts: intron variant (6).
Genome position (GRCh38, 1-based): chr2:50,921,871, T>G on the plus strand (A>C on the coding strand, the complement: NRXN1 is on the minus strand). VCF-style: chr2-50921871-T-G. GRCh37 (hg19) VCF-style: chr2-51149009-T-G.
Other names: c.929A>C, p.Lys310Thr (NM_001135659.3); c.830A>C, p.Lys277Thr (NM_001330077.2, NM_001330081.2, NM_001330082.2 and 5 more transcripts); c.827A>C, p.Lys276Thr (NM_001330079.2, NM_001330093.2); c.772+105631A>C (NM_001330096.2, NM_001330087.2, NM_001330083.2 and 1 more transcripts); c.802+787A>C (NM_001330088.2); c.820+787A>C (NM_001330094.2); short protein forms K276T, K277T, K310T.
Identifiers: ClinVar variation 3371008 (VCV003371008.1).

ClinVar aggregate classification (germline): Uncertain significance (1 of 4 stars; one submission).

Submission:

GeneDx
Classification: Uncertain significance. Last evaluated: 2024-03-18. Review status: criteria provided, single submitter. Criteria: GeneDx Variant Classification Process June 2021. Collection method: clinical testing. Allele origin: germline. Affected: yes.
Comment: Not observed at significant frequency in large population cohorts (gnomAD); In silico analysis supports that this missense variant does not alter protein structure/function; Has not been previously published as pathogenic or benign to our knowledge